The following is an entry in ClinVar:

ClinVar aggregate classification (germline): Benign/Likely benign. Review status: criteria provided, multiple submitters, no conflicts (2 of 4 stars). 4 submissions from 4 submitters: Benign (1); Likely benign (2). 1 of the submissions does not count toward it. Last evaluated 2025-11-16.

Conditions:
IREB2-related disorder. Also called: IREB2-related condition.

Allele frequency attached by ClinVar (database versions not stated): 1000 Genomes Project 30x 0.00156; 1000 Genomes Project 0.00160; TOPMed 0.00289; gnomAD 0.00304 and 0.00334; gnomAD exomes 0.00310 and 0.00435; ESP Exome Variant Server 0.00331; ExAC 0.00332.
gnomAD v4.1: 6,803 of 1,613,844 alleles (0.42%); highest among the groups gnomAD compares: Non-Finnish European, 0.54%; 27 homozygotes.

Submissions (4):

Labcorp Genetics (formerly Invitae), Labcorp
Classification: Benign. Last evaluated: 2025-11-16. Review status: criteria provided, single submitter. Criteria: Invitae Variant Classification Sherloc (09022015). Collection method: clinical testing. Allele origin: germline.

CeGaT Center for Human Genetics Tuebingen
Classification: Likely benign. Last evaluated: 2024-06-01. Review status: criteria provided, single submitter. Criteria: CeGaT Center For Human Genetics Tuebingen Variant Classification Criteria Version 2. Collection method: clinical testing. Allele origin: germline. Affected: yes. Observed: 1 variant allele.
Comment: IREB2: BP4, BS2

GeneDx
Classification: Likely benign. Last evaluated: 2022-04-13. Review status: criteria provided, single submitter. Criteria: GeneDx Variant Classification Process June 2021. Collection method: clinical testing. Allele origin: germline. Affected: yes.
Comment: See Variant Classification Assertion Criteria.

PreventionGenetics, part of Exact Sciences
Classification: Likely benign for IREB2-related condition. Last evaluated: 2019-12-03. Review status: no assertion criteria provided. Collection method: clinical testing. Allele origin: germline. Not counted in ClinVar's aggregate classification.
Comment: This variant is classified as likely benign based on ACMG/AMP sequence variant interpretation guidelines (Richards et al. 2015 PMID: 25741868, with internal and published modifications).

NM_004136.4(IREB2):c.2662A>G (p.Ile888Val)

Gene: IREB2 (iron responsive element binding protein 2; plus strand). Cytogenetic location: 15q25.1.
Variant type: single nucleotide variant.
Coding change: c.2662A>G on transcript NM_004136.4 (MANE Select); coding-DNA position 2662, A replaced by G.
Protein change: p.Ile888Val; replaces isoleucine 888 with valine.
Molecular consequence: missense variant.
Genome position (GRCh38, 1-based): chr15:78,497,192, A>G. VCF-style: chr15-78497192-A-G. GRCh37 (hg19) VCF-style: chr15-78789534-A-G.
Other names: c.1912A>G, p.Ile638Val (NM_001320941.2); c.2491A>G, p.Ile831Val (NM_001320942.2, NM_001354994.2); c.2662A>G (NM_004136.3); short protein forms I638V, I831V, I888V.
Identifiers: ClinVar variation 1683798 (VCV001683798.26), dbSNP rs140959198, ClinGen allele CA7683297.